The following is an entry in ClinVar:

NM_000426.4(LAMA2):c.6269-17T>G

Gene: LAMA2 (laminin subunit alpha 2; plus strand). Cytogenetic location: 6q22.33.
Variant type: single nucleotide variant.
Coding change: c.6269-17T>G on transcript NM_000426.4 (MANE Select); 17 bases into the intron before coding-DNA position 6269, T replaced by G.
Molecular consequence: intron variant.
Genome position (GRCh38, 1-based): chr6:129,443,046, T>G. VCF-style: chr6-129443046-T-G. GRCh37 (hg19) VCF-style: chr6-129764191-T-G.
Other names: c.6269-17T>G (NM_001079823.2).
Identifiers: ClinVar variation 2036036 (VCV002036036.4), dbSNP rs2533391992, ClinGen allele CA2580074950.
Genomic context (GRCh38, chr6:129,443,046, plus strand): 5'-TATAATATTTATAGAAAATACTTCCTCATGAATTTATAATTTTTTTTTGTTTTGCTTCCA[T>G]GTGAAATTGCCTGCAGAAATCAGTACGTATATGTTTACTTATATACCTTTTAGTAACGCT-3'

ClinVar aggregate classification (germline): Uncertain significance (1 of 4 stars; one submission).

Conditions:
LAMA2-related muscular dystrophy (LAMA2-RD). Also called: Laminin alpha 2-related dystrophy. Identifiers: MedGen C5679788, MONDO:0100228.

Submission:

Labcorp Genetics (formerly Invitae), Labcorp
Classification: Uncertain significance for LAMA2-related muscular dystrophy. Last evaluated: 2022-10-19. Review status: criteria provided, single submitter. Criteria: Invitae Variant Classification Sherloc (09022015). Collection method: clinical testing. Allele origin: germline.
Comment: This variant has not been reported in the literature in individuals affected with LAMA2-related conditions. In summary, the available evidence is currently insufficient to determine the role of this variant in disease. Therefore, it has been classified as a Variant of Uncertain Significance. Algorithms developed to predict the effect of sequence changes on RNA splicing suggest that this variant may disrupt the consensus splice site. This variant is not present in population databases (gnomAD no frequency). This sequence change falls in intron 43 of the LAMA2 gene. It does not directly change the encoded amino acid sequence of the LAMA2 protein.